The following is an entry in ClinVar:

NM_007373.4(SHOC2):c.85A>G (p.Lys29Glu)

Gene: SHOC2 (SHOC2 leucine rich repeat scaffold protein; plus strand). Cytogenetic location: 10q25.2.
Variant type: single nucleotide variant.
Coding change: c.85A>G on transcript NM_007373.4 (MANE Select); coding-DNA position 85, A replaced by G.
Protein change: p.Lys29Glu; replaces lysine 29 with glutamic acid.
Molecular consequence: missense variant.
Genome position (GRCh38, 1-based): chr10:110,964,443, A>G. VCF-style: chr10-110964443-A-G. GRCh37 (hg19) VCF-style: chr10-112724201-A-G.
Other names: c.85A>G, p.Lys29Glu (NM_001269039.3, NM_001324336.2, NM_001324337.2); short protein forms K29E.
Identifiers: ClinVar variation 1321351 (VCV001321351.2), dbSNP rs1414935471, ClinGen allele CA378381171.
Genomic context (GRCh38, chr10:110,964,443, plus strand): 5'-AAAGACTCTAAAGAAAAAGATCCCAAAGTACCATCAGCCAAGGAAAGAGAAAAGGAGGCA[A>G]AAGCCTCTGGAGGTTTTGGGAAAGAGAGCAAAGAAAAAGAACCTAAGACCAAAGGGAAAG-3'
Protein context (NP_031399.2, residues 19-39): PSAKEREKEA[Lys29Glu]ASGGFGKESK

ClinVar aggregate classification (germline): Uncertain significance. Review status: criteria provided, multiple submitters, no conflicts (2 of 4 stars). 2 submissions from 2 submitters: Uncertain significance (2). Last evaluated 2025-08-28.

Conditions:
Cardiovascular phenotype. Identifiers: MedGen CN230736.

Allele frequency attached by ClinVar (database versions not stated): gnomAD exomes below 0.00001; TOPMed 0.00001.

Submissions (2):

Ambry Genetics
Classification: Uncertain significance for Cardiovascular phenotype. Last evaluated: 2025-08-28. Review status: criteria provided, single submitter. Criteria: Ambry Variant Classification Scheme 2023. Collection method: clinical testing. Allele origin: germline.
Comment: The p.K29E variant (also known as c.85A>G), located in coding exon 1 of the SHOC2 gene, results from an A to G substitution at nucleotide position 85. The lysine at codon 29 is replaced by glutamic acid, an amino acid with similar properties. This amino acid position is conserved. In addition, this alteration is predicted to be deleterious by in silico analysis. Based on the available evidence, the clinical significance of this variant remains unclear.

Women's Health and Genetics/Laboratory Corporation of America, LabCorp
Classification: Uncertain significance. Last evaluated: 2021-10-09. Review status: criteria provided, single submitter. Criteria: LabCorp Variant Classification Summary - May 2015. Collection method: clinical testing. Allele origin: germline.